The following is an entry in ClinVar:

ClinVar aggregate classification (germline): Uncertain significance. Review status: reviewed by expert panel (3 of 4 stars). 3 submissions from 3 submitters: Uncertain significance (1). 2 of the submissions do not count toward it. Last evaluated 2026-06-23.

Conditions:
DICER1-related tumor predisposition. Also called: DICER1 syndrome; DICER1-related pleuropulmonary blastoma cancer predisposition syndrome. Identifiers: Orphanet 284343, MedGen C3839822, MONDO:0100216.

Submissions (3):

ClinGen DICER1 and miRNA-Processing Gene Variant Curation Expert Panel, ClinGen
Classification: Uncertain significance for DICER1-related tumor predisposition. Last evaluated: 2026-06-23. Review status: reviewed by expert panel. Criteria: ClinGen DICER1 ACMG Specifications DICER1 V1.4.0. Collection method: curation. Allele origin: germline. Inheritance: Autosomal dominant inheritance.
Comment: The NM_177438.3:c.3178C>T variant in DICER1 is a missense variant predicted to replace arginine with cysteine at codon 1060 (p.Arg1060Cys). Although this variant has been observed in individuals undergoing genetic sequencing, to our knowledge, this variant has not been reported in individuals with DICER1-related tumor predisposition (PS4 not met; Internal lab contributors). This variant has been identified as a de novo occurrence with confirmed parental relationships in 2 individuals with neurodevelopmental phenotypes (0 pts; PS2 Not met; Internal lab contributors). This variant is absent from gnomAD v4.1.1 (PM2_Supporting). The computational predictor REVEL gives a score of 0.742, which is neither above nor below the thresholds predicting a damaging or benign impact on DICER1 function; splice predictors MaxEntScan and SpliceAI indicate no impact on splicing (PP3 and BP4 not met). In summary, this variant meets the criteria to be classified as Uncertain Significance for DICER1-related tumor predisposition based on the ACMG/AMP criteria applied, as specified by the ClinGen DICER1 VCEP: PM2_Supporting. (Bayesian Points: 1; VCEP specifications version 1.4.0; 06/23/2026).

Labcorp Genetics (formerly Invitae), Labcorp
Classification: Uncertain significance for DICER1-related tumor predisposition. Last evaluated: 2025-01-11. Review status: criteria provided, single submitter. Criteria: Invitae Variant Classification Sherloc (09022015). Collection method: clinical testing. Allele origin: germline. Not counted in ClinVar's aggregate classification.
Comment: This sequence change replaces arginine, which is basic and polar, with cysteine, which is neutral and slightly polar, at codon 1060 of the DICER1 protein (p.Arg1060Cys). This variant is not present in population databases (gnomAD no frequency). This variant has not been reported in the literature in individuals affected with DICER1-related conditions. ClinVar contains an entry for this variant (Variation ID: 432357). Invitae Evidence Modeling of protein sequence and biophysical properties (such as structural, functional, and spatial information, amino acid conservation, physicochemical variation, residue mobility, and thermodynamic stability) indicates that this missense variant is expected to disrupt DICER1 protein function with a positive predictive value of 95%. In summary, the available evidence is currently insufficient to determine the role of this variant in disease. Therefore, it has been classified as a Variant of Uncertain Significance.

GeneDx
Classification: Uncertain significance. Last evaluated: 2022-03-16. Review status: criteria provided, single submitter. Criteria: GeneDx Variant Classification Process June 2021. Collection method: clinical testing. Allele origin: germline. Affected: yes. Not counted in ClinVar's aggregate classification.
Comment: Not observed at significant frequency in large population cohorts (gnomAD); In silico analysis supports that this missense variant has a deleterious effect on protein structure/function; Reported as a somatic variant in cutaneous squamous cell carcinoma, but has not been reported in the germline (Li et al., 2015); This variant is associated with the following publications: (PMID: 25589618)

NM_177438.3(DICER1):c.3178C>T (p.Arg1060Cys)

Gene: DICER1 (dicer 1, ribonuclease III; minus strand). Cytogenetic location: 14q32.13.
Variant type: single nucleotide variant.
Coding change: c.3178C>T on transcript NM_177438.3 (MANE Select); coding-DNA position 3178, C replaced by T.
Protein change: p.Arg1060Cys; replaces arginine 1060 with cysteine.
Molecular consequence: missense variant.
Genome position (GRCh38, 1-based): chr14:95,105,162, G>A on the plus strand (C>T on the coding strand, the complement: DICER1 is on the minus strand). VCF-style: chr14-95105162-G-A. GRCh37 (hg19) VCF-style: chr14-95571499-G-A.
Other names: NM_177438.3(DICER1):c.3178C>T; p.Arg1060Cys; c.3178C>T, p.Arg1060Cys (NM_001195573.1, NM_001271282.3, NM_001291628.2 and 1 more transcripts); short protein forms R1060C.
Identifiers: ClinVar variation 432357 (VCV000432357.7), dbSNP rs1555370020, ClinGen allele CA390876640.